The following is an entry in ClinVar:

NM_005045.4(RELN):c.1901G>A (p.Arg634Gln)

Gene: RELN (reelin; minus strand). Cytogenetic location: 7q22.1.
Variant type: single nucleotide variant.
Coding change: c.1901G>A on transcript NM_005045.4 (MANE Select); coding-DNA position 1901, G replaced by A.
Protein change: p.Arg634Gln; replaces arginine 634 with glutamine.
Molecular consequence: missense variant.
Genome position (GRCh38, 1-based): chr7:103,650,375, C>T on the plus strand (G>A on the coding strand, the complement: RELN is on the minus strand). VCF-style: chr7-103650375-C-T. GRCh37 (hg19) VCF-style: chr7-103290822-C-T.
Other names: c.1901G>A (NM_173054.2); c.1901G>A, p.Arg634Gln (NM_173054.3); short protein forms R634Q.
Identifiers: ClinVar variation 639974 (VCV000639974.9), dbSNP rs779205093, ClinGen allele CA163939054.

ClinVar aggregate classification (germline): Uncertain significance. Review status: criteria provided, multiple submitters, no conflicts (2 of 4 stars). 2 submissions from 2 submitters: Uncertain significance (2). Last evaluated 2025-07-02.

Conditions:
Familial temporal lobe epilepsy 7. Identifiers: Orphanet 101046, MedGen C4225327, MONDO:0014639, OMIM 616436.
Norman-Roberts syndrome (LIS2). Also called: Lissencephaly 2 (Norman-Roberts type). Identifiers: Orphanet 89844, MedGen C0796089, MONDO:0009760, OMIM 257320.

Allele frequency attached by ClinVar (database versions not stated): gnomAD exomes below 0.00001.
gnomAD v4.1: 3 of 1,605,862 alleles (0.00019%); highest among the groups gnomAD compares: Non-Finnish European, 0.00017%; no homozygotes.

Submissions (2):

Labcorp Genetics (formerly Invitae), Labcorp
Classification: Uncertain significance for Familial temporal lobe epilepsy 7; Norman-Roberts syndrome. Last evaluated: 2025-07-02. Review status: criteria provided, single submitter. Criteria: Invitae Variant Classification Sherloc (09022015). Collection method: clinical testing. Allele origin: germline.
Comment: This sequence change replaces arginine, which is basic and polar, with glutamine, which is neutral and polar, at codon 634 of the RELN protein (p.Arg634Gln). This variant is not present in population databases (gnomAD no frequency). This variant has not been reported in the literature in individuals affected with RELN-related conditions. ClinVar contains an entry for this variant (Variation ID: 639974). Invitae Evidence Modeling of protein sequence and biophysical properties (such as structural, functional, and spatial information, amino acid conservation, physicochemical variation, residue mobility, and thermodynamic stability) has been performed for this missense variant. However, the output from this modeling did not meet the statistical confidence thresholds required to predict the impact of this variant on RELN protein function. In summary, the available evidence is currently insufficient to determine the role of this variant in disease. Therefore, it has been classified as a Variant of Uncertain Significance.

Genomic Medicine Center of Excellence, King Faisal Specialist Hospital and Research Centre
Classification: Uncertain significance for Norman-Roberts syndrome. Last evaluated: 2024-04-04. Review status: criteria provided, single submitter. Criteria: ACMG Guidelines, 2015. Collection method: clinical testing. Allele origin: germline.